The following is an entry in ClinVar:

ClinVar aggregate classification (germline): Likely benign. Review status: criteria provided, multiple submitters, no conflicts (2 of 4 stars). 2 submissions from 2 submitters: Likely benign (2). Last evaluated 2024-12-15.

Conditions:
Familial cancer of breast. Also called: Hereditary breast cancer; hereditary breast carcinoma; BREAST CANCER, FAMILIAL. Identifiers: Orphanet 227535, MedGen C0346153, MONDO:0016419, OMIM 114480. Disease mechanism: loss of function.
Ataxia-telangiectasia syndrome (AT). Also called: Cerebello-oculocutaneous telangiectasia; Immunodeficiency with ataxia telangiectasia; Ataxia-telangiectasia, complementation group D; AT, COMPLEMENTATION GROUP C; Ataxia-telangiectasia, complementation group E; LOUIS-BAR SYNDROME. Identifiers: Orphanet 100, MedGen C0004135, MONDO:0008840, OMIM 208900.

Submissions (2):

Labcorp Genetics (formerly Invitae), Labcorp
Classification: Likely benign for Ataxia-telangiectasia syndrome. Last evaluated: 2024-12-15. Review status: criteria provided, single submitter. Criteria: Invitae Variant Classification Sherloc (09022015). Collection method: clinical testing. Allele origin: germline.

Myriad Genetics, Inc.
Classification: Likely benign for Familial cancer of breast. Last evaluated: 2024-05-01. Review status: criteria provided, single submitter. Criteria: Myriad Autosomal Dominant, Autosomal Recessive and X-Linked Classification Criteria (2023). Collection method: clinical testing. Allele origin: unknown.
Comment: This variant is considered likely benign. This variant is intronic and is not expected to impact mRNA splicing.

NM_000051.4(ATM):c.1803-10T>C

Gene: ATM (ATM serine/threonine kinase; plus strand). Cytogenetic location: 11q22.3.
Variant type: single nucleotide variant.
Coding change: c.1803-10T>C on transcript NM_000051.4 (MANE Select); 10 bases into the intron before coding-DNA position 1803, T replaced by C.
Molecular consequence: intron variant.
Genome position (GRCh38, 1-based): chr11:108,252,807, T>C. VCF-style: chr11-108252807-T-C. GRCh37 (hg19) VCF-style: chr11-108123534-T-C.
Other names: c.1803-10T>C (NM_001351834.2).
Identifiers: ClinVar variation 453383 (VCV000453383.9), dbSNP rs1555072423, ClinGen allele CA658656170.
Genomic context (GRCh38, chr11:108,252,807, plus strand): 5'-TGTTAAAGTTTAAAGTATTCTTTACATGGCTTTTGGTCTTCTAAGTGAAGCTTTTTGTTT[T>C]TCTTTGTAGTAATTTTCCTCATCTTGTACTGGAGAAAATTCTTGTGAGTCTCACTATGAA-3'